The following is an entry in ClinVar:

NM_001042413.2(GLIS3):c.*673T>C

Gene: GLIS3 (GLIS family zinc finger 3; minus strand). Cytogenetic location: 9p24.2.
Variant type: single nucleotide variant.
Coding change: c.*673T>C on transcript NM_001042413.2 (MANE Select); 673 bases downstream of the stop codon, T replaced by C.
Molecular consequence: 3 prime UTR variant.
Genome position (GRCh38, 1-based): chr9:3,827,599, A>G on the plus strand (T>C on the coding strand, the complement: GLIS3 is on the minus strand). VCF-style: chr9-3827599-A-G. GRCh37 (hg19) VCF-style: chr9-3827599-A-G.
Other names: c.*673T>C (NM_152629.4).
Identifiers: ClinVar variation 914789 (VCV000914789.4), dbSNP rs2380903, ClinGen allele CA188257129.

ClinVar aggregate classification (germline): Likely benign (1 of 4 stars; one submission).

Conditions:
Neonatal diabetes mellitus with congenital hypothyroidism. Also called: NDH SYNDROME. Identifiers: Orphanet 79118, MedGen C1857775, MONDO:0012436, OMIM 610199.

Allele frequency attached by ClinVar (database versions not stated): gnomAD 0.00023 and 0.00033; TOPMed 0.00024; 1000 Genomes Project 30x 0.00234; 1000 Genomes Project 0.00240.

Submission:

Illumina Laboratory Services, Illumina
Classification: Likely benign for Neonatal diabetes mellitus with congenital hypothyroidism. Last evaluated: 2018-01-13. Review status: criteria provided, single submitter. Criteria: ICSL Variant Classification Criteria 13 December 2019. Collection method: clinical testing. Allele origin: germline.
Comment: This variant was observed in the ICSL laboratory as part of a predisposition screen in an ostensibly healthy population. It had not been previously curated by ICSL or reported in the Human Gene Mutation Database (HGMD: prior to June 1st, 2018), and was therefore a candidate for classification through an automated scoring system. Utilizing variant allele frequency, disease prevalence and penetrance estimates, and inheritance mode, an automated score was calculated to assess if this variant is too frequent to cause the disease. Based on the score and internal cut-off values, a variant classified as likely benign is not then subjected to further curation. The score for this variant resulted in a classification of likely benign for this disease.